The following is an entry in ClinVar:

NM_004153.4(ORC1):c.57G>C (p.Arg19Ser)

Gene: ORC1 (origin recognition complex subunit 1; minus strand). Cytogenetic location: 1p32.3.
Variant type: single nucleotide variant.
Coding change: c.57G>C on transcript NM_004153.4 (MANE Select); coding-DNA position 57, G replaced by C.
Protein change: p.Arg19Ser; replaces arginine 19 with serine.
Molecular consequence: missense variant.
Genome position (GRCh38, 1-based): chr1:52,402,167, C>G on the plus strand (G>C on the coding strand, the complement: ORC1 is on the minus strand). VCF-style: chr1-52402167-C-G. GRCh37 (hg19) VCF-style: chr1-52867839-C-G.
Other names: c.57G>C, p.Arg19Ser (NM_001190818.2, NM_001190819.2); short protein forms R19S.
Identifiers: ClinVar variation 259242 (VCV000259242.58), dbSNP rs3087473, ClinGen allele CA853695.

ClinVar aggregate classification (germline): Benign/Likely benign. Review status: criteria provided, multiple submitters, no conflicts (2 of 4 stars). 8 submissions from 8 submitters: Benign (1); Likely benign (6). 1 of the submissions does not count toward it. Last evaluated 2026-05-01.

Conditions:
ORC1-related disorder. Also called: ORC1-related condition.
Meier-Gorlin syndrome 1 (MGORS1). Also called: EAR, PATELLA, SHORT STATURE SYNDROME. Identifiers: Orphanet 2554, MedGen C4552001, MONDO:0009143, OMIM 224690.

Allele frequency attached by ClinVar (database versions not stated): ExAC 0.00413; gnomAD exomes 0.00421; gnomAD 0.00436 and 0.00472; TOPMed 0.00478; ESP Exome Variant Server 0.00561; 1000 Genomes Project 30x 0.00156; 1000 Genomes Project 0.00180.
gnomAD v4.1: 10,920 of 1,614,162 alleles (0.68%); highest among the groups gnomAD compares: Non-Finnish European, 0.86%; 42 homozygotes.

Submissions (8):

CeGaT Center for Human Genetics Tuebingen
Classification: Likely benign. Last evaluated: 2026-05-01. Review status: criteria provided, single submitter. Criteria: CeGaT Center For Human Genetics Tuebingen Variant Classification Criteria Version 2. Collection method: clinical testing. Allele origin: germline. Affected: yes. Observed: 8 variant alleles.
Comment: ORC1: BP4, BS2

Labcorp Genetics (formerly Invitae), Labcorp
Classification: Benign. Last evaluated: 2026-02-01. Review status: criteria provided, single submitter. Criteria: Invitae Variant Classification Sherloc (09022015). Collection method: clinical testing. Allele origin: germline.

Blueprint Genetics
Classification: Likely benign. Last evaluated: 2024-11-22. Review status: criteria provided, single submitter. Criteria: ACMG Guidelines, 2015. Collection method: clinical testing. Allele origin: germline.

Illumina Laboratory Services, Illumina
Classification: Likely benign for Meier-Gorlin syndrome 1. Last evaluated: 2018-01-13. Review status: criteria provided, single submitter. Criteria: ICSL Variant Classification Criteria 13 December 2019. Collection method: clinical testing. Allele origin: germline.
Comment: This variant was observed in the ICSL laboratory as part of a predisposition screen in an ostensibly healthy population. It had not been previously curated by ICSL or reported in the Human Gene Mutation Database (HGMD: prior to June 1st, 2018), and was therefore a candidate for classification through an automated scoring system. Utilizing variant allele frequency, disease prevalence and penetrance estimates, and inheritance mode, an automated score was calculated to assess if this variant is too frequent to cause the disease. Based on the score and internal cut-off values, a variant classified as likely benign is not then subjected to further curation. The score for this variant resulted in a classification of likely benign for this disease.

Center for Pediatric Genomic Medicine, Children's Mercy Hospital and Clinics
Classification: Likely benign. Last evaluated: 2017-02-20. Review status: criteria provided, single submitter. Criteria: ACMG Guidelines, 2015. Collection method: clinical testing. Allele origin: germline.

Genetic Services Laboratory, University of Chicago
Classification: Likely benign. Last evaluated: 2016-04-15. Review status: criteria provided, single submitter. Criteria: ACMG Guidelines, 2015. Collection method: clinical testing. Allele origin: germline. Affected: no.

Breakthrough Genomics
Classification: Likely benign. Review status: criteria provided, single submitter. Criteria: ACMG Guidelines, 2015. Collection method: not provided. Allele origin: germline. Inheritance: Autosomal recessive inheritance. Affected: yes.

PreventionGenetics, part of Exact Sciences
Classification: Benign for ORC1-related condition. Last evaluated: 2019-05-22. Review status: no assertion criteria provided. Collection method: clinical testing. Allele origin: germline. Not counted in ClinVar's aggregate classification.
Comment: This variant is classified as benign based on ACMG/AMP sequence variant interpretation guidelines (Richards et al. 2015 PMID: 25741868, with internal and published modifications).